The following is an entry in ClinVar:

NM_001105206.3(LAMA4):c.3003C>T (p.Gly1001=)

Gene: LAMA4 (laminin subunit alpha 4; minus strand). Cytogenetic location: 6q21.
Variant type: single nucleotide variant.
Coding change: c.3003C>T on transcript NM_001105206.3 (MANE Select); coding-DNA position 3003, C replaced by T.
Protein change: p.Gly1001=; no amino-acid change (glycine 1001 retained).
Molecular consequence: synonymous variant.
Genome position (GRCh38, 1-based): chr6:112,139,859, G>A on the plus strand (C>T on the coding strand, the complement: LAMA4 is on the minus strand). VCF-style: chr6-112139859-G-A. GRCh37 (hg19) VCF-style: chr6-112461061-G-A.
Other names: c.2982C>T, p.Gly994= (NM_001105207.3, NM_002290.5).
Identifiers: ClinVar variation 44372 (VCV000044372.14), dbSNP rs397516728, ClinGen allele CA134035.
Genomic context (GRCh38, chr6:112,139,859, plus strand): 5'-AAAGTTGTACAAGCTGATCACATCATTATTCAAAGTGGCCAGTTCCAGGCAGCCAACAAA[G>A]CCAGGCAGGTTTAAGCTGGTAGGGAGCTATGCAATAGAAAAAGTAAAACCACTTGTCTCA-3'
Protein context (NP_001098676.2, residues 991-1011): FKLPTSLNLP[Gly1001=]FVGCLELATL

ClinVar aggregate classification (germline): Likely benign. Review status: criteria provided, multiple submitters, no conflicts (2 of 4 stars). 4 submissions from 4 submitters: Likely benign (4). Last evaluated 2024-08-11.

Conditions:
Dilated cardiomyopathy 1JJ (CMD1JJ). Identifiers: Orphanet 154, MedGen C3808935, MONDO:0014095, OMIM 615235.
Cardiovascular phenotype. Identifiers: MedGen CN230736.

Allele frequency attached by ClinVar (database versions not stated): gnomAD exomes below 0.00001 and 0.00001; ExAC 0.00001; gnomAD 0.00001; TOPMed 0.00001.
gnomAD v4.1: 8 of 1,613,924 alleles (0.0005%); highest among the groups gnomAD compares: Non-Finnish European, 0.00068%; no homozygotes.

Submissions (4):

Ambry Genetics
Classification: Likely benign for Cardiovascular phenotype. Last evaluated: 2024-08-11. Review status: criteria provided, single submitter. Criteria: Ambry Variant Classification Scheme 2023. Collection method: clinical testing. Allele origin: germline.

Blueprint Genetics
Classification: Likely benign. Last evaluated: 2024-03-06. Review status: criteria provided, single submitter. Criteria: ACMG Guidelines, 2015. Collection method: clinical testing. Allele origin: germline.

Labcorp Genetics (formerly Invitae), Labcorp
Classification: Likely benign for Dilated cardiomyopathy 1JJ. Last evaluated: 2022-08-23. Review status: criteria provided, single submitter. Criteria: Invitae Variant Classification Sherloc (09022015). Collection method: clinical testing. Allele origin: germline.

Laboratory for Molecular Medicine, Mass General Brigham Personalized Medicine
Classification: Likely benign. Last evaluated: 2012-04-03. Review status: criteria provided, single submitter. Criteria: LMM Criteria. Collection method: clinical testing. Allele origin: germline. Observed: 2 variant alleles.
Comment: p.Gly994Gly in exon 23 of LAMA4: This variant is not expected to have clinical s ignificance because it does not alter an amino acid residue and is not located w ithin the splice consensus sequence.